The following is an entry in ClinVar:

NM_182914.3(SYNE2):c.20461C>T (p.Arg6821Ter)

Gene: SYNE2 (spectrin repeat containing nuclear envelope protein 2; plus strand). Cytogenetic location: 14q23.2.
Variant type: single nucleotide variant.
Coding change: c.20461C>T on transcript NM_182914.3 (MANE Select); coding-DNA position 20461, C replaced by T.
Protein change: p.Arg6821Ter; replaces arginine 6821 with a stop codon.
Molecular consequence: nonsense.
Genome position (GRCh38, 1-based): chr14:64,224,539, C>T. VCF-style: chr14-64224539-C-T. GRCh37 (hg19) VCF-style: chr14-64691257-C-T.
Other names: c.20392C>T, p.Arg6798Ter (NM_015180.6); c.1027C>T, p.Arg343Ter (NM_182910.2); c.1405C>T, p.Arg469Ter (NM_182913.4); short protein forms R6821*, R343*, R469*, R6798*.
Identifiers: ClinVar variation 946359 (VCV000946359.7), dbSNP rs1423117372, ClinGen allele CA389981449.

ClinVar aggregate classification (germline): Uncertain significance (1 of 4 stars; one submission).

Conditions:
Emery-Dreifuss muscular dystrophy 5, autosomal dominant (EDMD5). Also called: EMERY-DREIFUSS MUSCULAR DYSTROPHY 5. Identifiers: Orphanet 261, MedGen C2751805, MONDO:0013072, OMIM 612999.

Allele frequency attached by ClinVar (database versions not stated): gnomAD exomes below 0.00001.
gnomAD v4.1: 2 of 1,614,070 alleles (0.00012%); highest among the groups gnomAD compares: Non-Finnish European, 0.000085%; no homozygotes.

Submission:

Labcorp Genetics (formerly Invitae), Labcorp
Classification: Uncertain significance for Emery-Dreifuss muscular dystrophy 5, autosomal dominant. Last evaluated: 2023-10-03. Review status: criteria provided, single submitter. Criteria: Invitae Variant Classification Sherloc (09022015). Collection method: clinical testing. Allele origin: germline.
Comment: This sequence change creates a premature translational stop signal (p.Arg6821*) in the SYNE2 gene. It is expected to result in an absent or disrupted protein product. However, the current clinical and genetic evidence is not sufficient to establish whether loss-of-function variants in SYNE2 cause disease. This variant is not present in population databases (gnomAD no frequency). This variant has not been reported in the literature in individuals affected with SYNE2-related conditions. ClinVar contains an entry for this variant (Variation ID: 946359). In summary, the available evidence is currently insufficient to determine the role of this variant in disease. Therefore, it has been classified as a Variant of Uncertain Significance.